The following is an entry in ClinVar:

NM_002755.4(MAP2K1):c.527G>T (p.Gly176Val)

Gene: MAP2K1 (mitogen-activated protein kinase kinase 1; plus strand). Cytogenetic location: 15q22.31.
Variant type: single nucleotide variant.
Coding change: c.527G>T on transcript NM_002755.4 (MANE Select); coding-DNA position 527, G replaced by T.
Protein change: p.Gly176Val; replaces glycine 176 with valine.
Molecular consequence: missense variant.
Genome position (GRCh38, 1-based): chr15:66,444,666, G>T. VCF-style: chr15-66444666-G-T. GRCh37 (hg19) VCF-style: chr15-66737004-G-T.
Other names: c.383G>T, p.Gly128Val (NM_001411065.1); short protein forms G128V, G176V.
Identifiers: ClinVar variation 3897831 (VCV003897831.2).

ClinVar aggregate classification (germline): Pathogenic/Likely pathogenic. Review status: criteria provided, multiple submitters, no conflicts (2 of 4 stars). 2 submissions from 2 submitters: Pathogenic (1); Likely pathogenic (1). Last evaluated 2025-07-09.

Conditions:
Cardiofaciocutaneous syndrome 3 (CFC3). Also called: MAP2K1-Related Cardiofaciocutaneous Syndrome. Identifiers: Orphanet 1340, MedGen C3809006, MONDO:0014113, OMIM 615279.

Submissions (2):

GeneDx
Classification: Pathogenic. Last evaluated: 2025-07-09. Review status: criteria provided, single submitter. Criteria: GeneDx Variant Classification Process June 2021. Collection method: clinical testing. Allele origin: germline. Affected: yes.
Comment: Not observed at significant frequency in large population cohorts (gnomAD); In silico analysis supports that this missense variant has a deleterious effect on protein structure/function; Missense variants in this gene are a common cause of disease and they are underrepresented in the general population; Has not been previously published as pathogenic or benign to our knowledge

Center of Human Genetics, Hôpital Erasme
Classification: Likely pathogenic for Cardiofaciocutaneous syndrome 3. Last evaluated: 2025-01-01. Review status: criteria provided, single submitter. Criteria: ACMG Guidelines, 2015. Collection method: clinical testing. Allele origin: de novo. Affected: yes.